The following is an entry in ClinVar:

NM_020708.5(SLC12A5):c.1155C>T (p.Ile385=)

Gene: SLC12A5 (solute carrier family 12 member 5; plus strand). Cytogenetic location: 20q13.12.
Variant type: single nucleotide variant.
Coding change: c.1155C>T on transcript NM_020708.5 (MANE Select); coding-DNA position 1155, C replaced by T.
Protein change: p.Ile385=; no amino-acid change (isoleucine 385 retained).
Molecular consequence: synonymous variant.
Genome position (GRCh38, 1-based): chr20:46,043,241, C>T. VCF-style: chr20-46043241-C-T. GRCh37 (hg19) VCF-style: chr20-44671880-C-T.
Other names: p.Ile385=; c.1224C>T, p.Ile408= (NM_001134771.2).
Identifiers: ClinVar variation 475640 (VCV000475640.17), dbSNP rs35804246, ClinGen allele CA9887260.

ClinVar aggregate classification (germline): Benign. Review status: criteria provided, multiple submitters, no conflicts (2 of 4 stars). 5 submissions from 5 submitters: Benign (5). Last evaluated 2026-02-03.

Conditions:
Developmental and epileptic encephalopathy, 34 (DEE34). Also called: Early infantile epileptic encephalopathy 34; SLC12A5-Related Epilepsy of Infancy with Migrating Focal Seizures. Identifiers: Orphanet 293181, MedGen C4225257, MONDO:0014718, OMIM 616645.

Allele frequency attached by ClinVar (database versions not stated): ESP Exome Variant Server 0.01799; gnomAD exomes 0.02746 and 0.04127; gnomAD 0.02850 and 0.02886; 1000 Genomes Project 30x 0.03170; 1000 Genomes Project 0.03295; TOPMed 0.03472; ExAC 0.03515.
gnomAD v4.1: 44,701 of 1,613,964 alleles (2.8%); highest among the groups gnomAD compares: Admixed American, 14%; 1,179 homozygotes.

Submissions (5):

Labcorp Genetics (formerly Invitae), Labcorp
Classification: Benign for Developmental and epileptic encephalopathy, 34. Last evaluated: 2026-02-03. Review status: criteria provided, single submitter. Criteria: Invitae Variant Classification Sherloc (09022015). Collection method: clinical testing. Allele origin: germline.

Unidad de Genómica Garrahan, Hospital de Pediatría Garrahan
Classification: Benign. Last evaluated: 2024-07-15. Review status: criteria provided, single submitter. Criteria: ACMG Guidelines, 2015. Collection method: clinical testing. Allele origin: germline. Affected: no. Observed: 21 variant alleles.
Comment: This variant is classified as Benign based on local population frequency. This variant was detected in 23% of patients studied in a panel designed for Epileptic and Developmental Encephalopathy and Progressive Myoclonus Epilepsy. Number of patients: 21. Only high quality variants are reported.

Mayo Clinic Laboratories, Mayo Clinic
Classification: Benign. Last evaluated: 2021-11-04. Review status: criteria provided, single submitter. Criteria: ACMG Guidelines, 2015. Collection method: clinical testing. Allele origin: germline. Observed: 19 variant alleles.

GeneDx
Classification: Benign. Last evaluated: 2018-11-12. Review status: criteria provided, single submitter. Criteria: GeneDx Variant Classification Process June 2021. Collection method: clinical testing. Allele origin: germline. Affected: yes.

Breakthrough Genomics
Classification: Benign. Review status: criteria provided, single submitter. Criteria: ACMG Guidelines, 2015. Collection method: not provided. Allele origin: germline. Inheritance: Autosomal recessive inheritance. Affected: yes.